The following is an entry in ClinVar:

ClinVar aggregate classification (germline): Uncertain significance (1 of 4 stars; one submission).

Submission:

Labcorp Genetics (formerly Invitae), Labcorp
Classification: Uncertain significance. Last evaluated: 2021-08-07. Review status: criteria provided, single submitter. Criteria: Invitae Variant Classification Sherloc (09022015). Collection method: clinical testing. Allele origin: germline.
Comment: In summary, the available evidence is currently insufficient to determine the role of this variant in disease. Therefore, it has been classified as a Variant of Uncertain Significance. Algorithms developed to predict the effect of missense changes on protein structure and function are either unavailable or do not agree on the potential impact of this missense change (SIFT: "Deleterious"; PolyPhen-2: "Probably Damaging"; Align-GVGD: "Class C0"). This variant has not been reported in the literature in individuals affected with RXYLT1-related conditions. This variant is not present in population databases (ExAC no frequency). This sequence change replaces tryptophan with arginine at codon 103 of the RXYLT1 protein (p.Trp103Arg). The tryptophan residue is highly conserved and there is a moderate physicochemical difference between tryptophan and arginine.

NM_014254.3(RXYLT1):c.307T>A (p.Trp103Arg)

Gene: RXYLT1 (ribitol xylosyltransferase 1; plus strand). Cytogenetic location: 12q14.2.
Variant type: single nucleotide variant.
Coding change: c.307T>A on transcript NM_014254.3 (MANE Select); coding-DNA position 307, T replaced by A.
Protein change: p.Trp103Arg; replaces tryptophan 103 with arginine.
Molecular consequence: missense variant. On other transcripts: 5 prime UTR variant (1).
Genome position (GRCh38, 1-based): chr12:63,781,156, T>A. VCF-style: chr12-63781156-T-A. GRCh37 (hg19) VCF-style: chr12-64174936-T-A.
Other names: c.-474T>A (NM_001278237.2); short protein forms W103R.
Identifiers: ClinVar variation 1511110 (VCV001511110.6), dbSNP rs1040911684, ClinGen allele CA385584392.